The following is an entry in ClinVar:

ClinVar aggregate classification (germline): Likely benign. Review status: criteria provided, single submitter (1 of 4 stars). 2 submissions from 2 submitters: Likely benign (1). 1 of the submissions does not count toward it. Last evaluated 2023-10-01.

Conditions:
MEG3-related disorder. Also called: MEG3-related condition.

Allele frequency attached by ClinVar (database versions not stated): 1000 Genomes Project 0.00300; 1000 Genomes Project 30x 0.00437; gnomAD 0.00507; TOPMed 0.00582; gnomAD exomes 0.00607.
gnomAD v4.1: 781 of 152,826 alleles (0.51%); highest among the groups gnomAD compares: Admixed American, 1%; 2 homozygotes.

Submissions (2):

CeGaT Center for Human Genetics Tuebingen
Classification: Likely benign. Last evaluated: 2023-10-01. Review status: criteria provided, single submitter. Criteria: CeGaT Center For Human Genetics Tuebingen Variant Classification Criteria Version 2. Collection method: clinical testing. Allele origin: germline. Affected: yes. Observed: 3 variant alleles.
Comment: MEG3: BS1

PreventionGenetics, part of Exact Sciences
Classification: Benign for MEG3-related condition. Last evaluated: 2019-09-20. Review status: no assertion criteria provided. Collection method: clinical testing. Allele origin: germline. Not counted in ClinVar's aggregate classification.
Comment: This variant is classified as benign based on ACMG/AMP sequence variant interpretation guidelines (Richards et al. 2015 PMID: 25741868, with internal and published modifications).

NR_046473.1(MEG3):n.936-391G>T

Gene: MEG3 (maternally expressed 3; plus strand). Cytogenetic location: 14q32.2.
Variant type: single nucleotide variant.
Molecular consequence: non-coding transcript variant (on NR_033359.1).
Genome position: GRCh38 VCF-style: chr14-100831030-G-T. GRCh37 (hg19) VCF-style: chr14-101297367-G-T.
Identifiers: ClinVar variation 2644539 (VCV002644539.25), dbSNP rs45570532, ClinGen allele CA266908258.